The following is an entry in ClinVar:

NM_001035.3(RYR2):c.2398G>A (p.Val800Ile)

Gene: RYR2 (ryanodine receptor 2; plus strand). Cytogenetic location: 1q43.
Variant type: single nucleotide variant.
Coding change: c.2398G>A on transcript NM_001035.3 (MANE Select); coding-DNA position 2398, G replaced by A.
Protein change: p.Val800Ile; replaces valine 800 with isoleucine.
Molecular consequence: missense variant.
Genome position (GRCh38, 1-based): chr1:237,503,290, G>A. VCF-style: chr1-237503290-G-A. GRCh37 (hg19) VCF-style: chr1-237666590-G-A.
Other names: c.2398G>A (NM_001035.2); short protein forms V800I.
Identifiers: ClinVar variation 2157539 (VCV002157539.6), dbSNP rs1458108392, ClinGen allele CA345378607.

ClinVar aggregate classification (germline): Uncertain significance. Review status: criteria provided, multiple submitters, no conflicts (2 of 4 stars). 3 submissions from 3 submitters: Uncertain significance (3). Last evaluated 2024-08-23.

Conditions:
Cardiovascular phenotype. Identifiers: MedGen CN230736.
Catecholaminergic polymorphic ventricular tachycardia 1. Also called: VENTRICULAR TACHYCARDIA, CATECHOLAMINERGIC POLYMORPHIC, 1, WITH OR WITHOUT ATRIAL DYSFUNCTION AND/OR DILATED CARDIOMYOPATHY; RYR2-Related Catecholaminergic Polymorphic Ventricular Tachycardia; VENTRICULAR TACHYCARDIA, STRESS-INDUCED POLYMORPHIC 1. Identifiers: Orphanet 3286, MedGen C1631597, MONDO:0011484, OMIM 604772.
Catecholaminergic polymorphic ventricular tachycardia (CVPT). Also called: Catecholamine-induced polymorphic ventricular tachycardia. Identifiers: Orphanet 3286, MedGen C5574922, MONDO:0017990.

Allele frequency attached by ClinVar (database versions not stated): gnomAD exomes below 0.00001.
gnomAD v4.1: 1 of 1,601,664 alleles (0.000062%); highest among the groups gnomAD compares: Non-Finnish European, 0.000085%; no homozygotes.

Submissions (3):

All of Us Research Program, National Institutes of Health
Classification: Uncertain significance for Catecholaminergic polymorphic ventricular tachycardia. Last evaluated: 2024-08-23. Review status: criteria provided, single submitter. Criteria: ACMG Guidelines, 2015. Collection method: clinical testing. Allele origin: germline. Inheritance: Autosomal dominant inheritance. Observed: 1 variant allele, 1 heterozygote.
Comment: This missense variant replaces valine with isoleucine at codon 800 of the RYR2 protein. Computational prediction suggests that this variant may not impact protein structure and function (internally defined REVEL score threshold <= 0.5, PMID: 27666373). To our knowledge, functional studies have not been reported for this variant. This variant has not been reported in individuals affected with RYR2-related disorders in the literature. This variant has been identified in 1/228356 chromosomes in the general population by the Genome Aggregation Database (gnomAD). The available evidence is insufficient to determine the role of this variant in disease conclusively. Therefore, this variant is classified as a Variant of Uncertain Significance.

This study involves interpretation of variants in research participants for the purpose of population health screening. Participant phenotype was not available at the time of variant classification. Additional details can be found in publication PMID: 35346344, PMCID: PMC8962531

Ambry Genetics
Classification: Uncertain significance for Cardiovascular phenotype. Last evaluated: 2024-06-27. Review status: criteria provided, single submitter. Criteria: Ambry Variant Classification Scheme 2023. Collection method: clinical testing. Allele origin: germline.
Comment: The p.V800I variant (also known as c.2398G>A), located in coding exon 22 of the RYR2 gene, results from a G to A substitution at nucleotide position 2398. The valine at codon 800 is replaced by isoleucine, an amino acid with highly similar properties. This amino acid position is well conserved in available vertebrate species. In addition, this alteration is predicted to be tolerated by in silico analysis. Based on the available evidence, the clinical significance of this variant remains unclear.

Labcorp Genetics (formerly Invitae), Labcorp
Classification: Uncertain significance for Catecholaminergic polymorphic ventricular tachycardia 1. Last evaluated: 2022-06-02. Review status: criteria provided, single submitter. Criteria: Invitae Variant Classification Sherloc (09022015). Collection method: clinical testing. Allele origin: germline.
Comment: In summary, the available evidence is currently insufficient to determine the role of this variant in disease. Therefore, it has been classified as a Variant of Uncertain Significance. Algorithms developed to predict the effect of missense changes on protein structure and function are either unavailable or do not agree on the potential impact of this missense change (SIFT: "Deleterious"; PolyPhen-2: "Benign"; Align-GVGD: "Class C25"). This variant has not been reported in the literature in individuals affected with RYR2-related conditions. This variant is present in population databases (no rsID available, gnomAD 0.001%). This sequence change replaces valine, which is neutral and non-polar, with isoleucine, which is neutral and non-polar, at codon 800 of the RYR2 protein (p.Val800Ile).